The following is an entry in ClinVar:

NM_001105206.3(LAMA4):c.4700T>A (p.Leu1567Gln)

Gene: LAMA4 (laminin subunit alpha 4; minus strand). Cytogenetic location: 6q21.
Variant type: single nucleotide variant.
Coding change: c.4700T>A on transcript NM_001105206.3 (MANE Select); coding-DNA position 4700, T replaced by A.
Protein change: p.Leu1567Gln; replaces leucine 1567 with glutamine.
Molecular consequence: missense variant.
Genome position (GRCh38, 1-based): chr6:112,119,277, A>T on the plus strand (T>A on the coding strand, the complement: LAMA4 is on the minus strand). VCF-style: chr6-112119277-A-T. GRCh37 (hg19) VCF-style: chr6-112440480-A-T.
Other names: c.4679T>A, p.Leu1560Gln (NM_001105207.3, NM_002290.5); short protein forms L1560Q, L1567Q.
Identifiers: ClinVar variation 2322750 (VCV002322750.4), dbSNP rs1778206250, ClinGen allele CA365368661.

ClinVar aggregate classification (germline): Uncertain significance. Review status: criteria provided, multiple submitters, no conflicts (2 of 4 stars). 2 submissions from 2 submitters: Uncertain significance (2). Last evaluated 2025-04-21.

Conditions:
Cardiovascular phenotype. Identifiers: MedGen CN230736.
Dilated cardiomyopathy 1JJ (CMD1JJ). Identifiers: Orphanet 154, MedGen C3808935, MONDO:0014095, OMIM 615235.

Allele frequency attached by ClinVar (database versions not stated): gnomAD exomes below 0.00001; TOPMed 0.00001.
gnomAD v4.1: 2 of 1,614,054 alleles (0.00012%); highest among the groups gnomAD compares: African/African-American, 0.0013%; no homozygotes.

Submissions (2):

Labcorp Genetics (formerly Invitae), Labcorp
Classification: Uncertain significance for Dilated cardiomyopathy 1JJ. Last evaluated: 2025-04-21. Review status: criteria provided, single submitter. Criteria: Invitae Variant Classification Sherloc (09022015). Collection method: clinical testing. Allele origin: germline.
Comment: This sequence change replaces leucine, which is neutral and non-polar, with glutamine, which is neutral and polar, at codon 1560 of the LAMA4 protein (p.Leu1560Gln). This variant is not present in population databases (gnomAD no frequency). This variant has not been reported in the literature in individuals affected with LAMA4-related conditions. ClinVar contains an entry for this variant (Variation ID: 2322750). Invitae Evidence Modeling of protein sequence and biophysical properties (such as structural, functional, and spatial information, amino acid conservation, physicochemical variation, residue mobility, and thermodynamic stability) indicates that this missense variant is expected to disrupt LAMA4 protein function with a positive predictive value of 80%. In summary, the available evidence is currently insufficient to determine the role of this variant in disease. Therefore, it has been classified as a Variant of Uncertain Significance.

Ambry Genetics
Classification: Uncertain significance for Cardiovascular phenotype. Last evaluated: 2024-06-17. Review status: criteria provided, single submitter. Criteria: Ambry Variant Classification Scheme 2023. Collection method: clinical testing. Allele origin: germline.
Comment: The p.L1560Q variant (also known as c.4679T>A), located in coding exon 33 of the LAMA4 gene, results from a T to A substitution at nucleotide position 4679. The leucine at codon 1560 is replaced by glutamine, an amino acid with dissimilar properties. This amino acid position is conserved. In addition, this alteration is predicted to be deleterious by in silico analysis. Based on the available evidence, the clinical significance of this variant remains unclear.